The following is an entry in ClinVar:

NM_001370959.1(POU6F2):c.1146A>G (p.Pro382=)

Gene: POU6F2 (POU class 6 homeobox 2; plus strand). Cytogenetic location: 7p14.1.
Variant type: single nucleotide variant.
Coding change: c.1146A>G on transcript NM_001370959.1 (MANE Select); coding-DNA position 1146, A replaced by G.
Protein change: p.Pro382=; no amino-acid change (proline 382 retained).
Molecular consequence: synonymous variant.
Genome position (GRCh38, 1-based): chr7:39,433,109, A>G. VCF-style: chr7-39433109-A-G. GRCh37 (hg19) VCF-style: chr7-39472708-A-G.
Other names: c.1059A>G, p.Pro353= (NM_001166018.2, NM_007252.4).
Identifiers: ClinVar variation 3060957 (VCV003060957.2), dbSNP rs2302123, ClinGen allele CA4227734.

ClinVar aggregate classification (germline): Benign (0 of 4 stars; one submission).

Conditions:
POU6F2-related disorder. Also called: POU6F2-related condition.

Allele frequency attached by ClinVar (database versions not stated): ExAC 0.31568; ESP Exome Variant Server 0.34692; gnomAD 0.34865; TOPMed 0.36132; 1000 Genomes Project 30x 0.40537; 1000 Genomes Project 0.40615.
gnomAD v4.1: 454,886 of 1,613,304 alleles (28%); highest among the groups gnomAD compares: East Asian, 57%; 69,266 homozygotes.

Submission:

PreventionGenetics, part of Exact Sciences
Classification: Benign for POU6F2-related condition. Last evaluated: 2019-10-21. Review status: no assertion criteria provided. Collection method: clinical testing. Allele origin: germline.
Comment: This variant is classified as benign based on ACMG/AMP sequence variant interpretation guidelines (Richards et al. 2015 PMID: 25741868, with internal and published modifications).